The following is an entry in ClinVar:

NM_004656.4(BAP1):c.68-1G>A

Gene: BAP1 (BRCA1 associated deubiquitinase 1; minus strand). Cytogenetic location: 3p21.1.
Variant type: single nucleotide variant.
Coding change: c.68-1G>A on transcript NM_004656.4 (MANE Select); the canonical splice acceptor site of the intron before coding-DNA position 68, G replaced by A.
Molecular consequence: splice acceptor variant.
Genome position (GRCh38, 1-based): chr3:52,409,609, C>T on the plus strand (G>A on the coding strand, the complement: BAP1 is on the minus strand). VCF-style: chr3-52409609-C-T. GRCh37 (hg19) VCF-style: chr3-52443625-C-T.
Other names: c.68-1G>A (NM_001410772.1).
Identifiers: ClinVar variation 3260381 (VCV003260381.1).
Genomic context (GRCh38, chr3:52,409,609, plus strand): 5'-CTCACCCCTGACATTTGCTCTGAAGGTCGTAGATCTCCTCCACTTGCACCCCCTTGACAC[C>T]TGCGATGAGGAAAGGAAAGCAGTAGGGAAGGACAGCCCCTGATGAGTGAGGGCGCAGGGG-3'

ClinVar aggregate classification (germline): Likely pathogenic (1 of 4 stars; one submission).

Conditions:
Hereditary cancer-predisposing syndrome. Also called: Hereditary Cancer Syndrome; Tumor predisposition; Hereditary neoplastic syndrome; Neoplastic Syndromes, Hereditary. Identifiers: Orphanet 140162, MedGen C0027672, MeSH D009386, MONDO:0015356.

Submission:

Ambry Genetics
Classification: Likely pathogenic for Hereditary cancer-predisposing syndrome. Last evaluated: 2024-04-16. Review status: criteria provided, single submitter. Criteria: Ambry Variant Classification Scheme 2023. Collection method: clinical testing. Allele origin: germline.
Comment: The c.68-1G>A intronic variant results from a G to A substitution one nucleotide upstream from coding exon 3 of the BAP1 gene. This nucleotide position is highly conserved in available vertebrate species. In silico splice site analysis predicts that this alteration will weaken the native splice acceptor site and may result in the creation or strengthening of a novel splice acceptor site. Alterations that disrupt the canonical splice site are expected to cause aberrant splicing, resulting in an abnormal protein or a transcript that is subject to nonsense-mediated mRNA decay. As such, this alteration is classified as likely pathogenic.